The following is an entry in ClinVar:

NM_000271.5(NPC1):c.2870G>C (p.Cys957Ser)

Gene: NPC1 (NPC intracellular cholesterol transporter 1; minus strand). Cytogenetic location: 18q11.2.
Variant type: single nucleotide variant.
Coding change: c.2870G>C on transcript NM_000271.5 (MANE Select); coding-DNA position 2870, G replaced by C.
Protein change: p.Cys957Ser; replaces cysteine 957 with serine.
Molecular consequence: missense variant.
Genome position (GRCh38, 1-based): chr18:23,539,396, C>G on the plus strand (G>C on the coding strand, the complement: NPC1 is on the minus strand). VCF-style: chr18-23539396-C-G. GRCh37 (hg19) VCF-style: chr18-21119360-C-G.
Other names: short protein forms C957S.
Identifiers: ClinVar variation 4855161 (VCV004855161.1).

ClinVar aggregate classification (germline): Likely pathogenic (1 of 4 stars; one submission).

Conditions:
NPC1-related disorder. Also called: NPC1-related condition.

Submission:

3billion
Classification: Likely pathogenic for NPC1-related disorder. Last evaluated: 2025-12-17. Review status: criteria provided, single submitter. Criteria: ACMG Guidelines, 2015. Collection method: clinical testing. Allele origin: germline. Affected: yes.
Comment: The variant is not observed in the gnomAD v4.1.0 dataset. Predicted Consequence/Location: The variant is located in a mutational hot spot and/or well-established functional domain in which established pathogenic variants have been reported (PMID: 11333381, 15774455). In silico tool predictions suggest damaging effect of the variant on gene or gene product [REVEL: 0.82 (>=0.6, sensitivity 0.68 and specificity 0.92); 3Cnet: 0.95 (> 0.75, sensitivity 0.96 and precision 0.92)]. A different missense change at the same codon (p.Cys957Tyr) has been reported to be associated with NPC1-related disorder (PMID: 30820861). Therefore, this variant is classified as Likely pathogenic according to the recommendation of ACMG/AMP guideline.

Literature cited by the submitters: PubMed 30820861.